The following is an entry in ClinVar:

ClinVar aggregate classification (germline): Likely benign. Review status: criteria provided, multiple submitters, no conflicts (2 of 4 stars). 5 submissions from 5 submitters: Likely benign (5). Last evaluated 2025-03-27.

Conditions:
Cardiovascular phenotype. Identifiers: MedGen CN230736.
Cardiomyopathy (CMYO). Also called: Cardiomyopathies. Identifiers: Orphanet 167848, MedGen C0878544, MONDO:0004994, HP:0001638. Inheritance: Various modes of inheritance.
Hypertrophic cardiomyopathy. Also called: HYPERTROPHIC MYOCARDIOPATHY. Identifiers: Orphanet 217569, MedGen C0007194, MeSH D002312, MONDO:0005045, HP:0001639.

Allele frequency attached by ClinVar (database versions not stated): gnomAD exomes 0.00001.

Submissions (5):

Labcorp Genetics (formerly Invitae), Labcorp
Classification: Likely benign for Hypertrophic cardiomyopathy. Last evaluated: 2025-03-27. Review status: criteria provided, single submitter. Criteria: Invitae Variant Classification Sherloc (09022015). Collection method: clinical testing. Allele origin: germline.

Ambry Genetics
Classification: Likely benign for Cardiovascular phenotype. Last evaluated: 2025-01-14. Review status: criteria provided, single submitter. Criteria: Ambry Variant Classification Scheme 2023. Collection method: clinical testing. Allele origin: germline.

Blueprint Genetics
Classification: Likely benign. Last evaluated: 2024-07-05. Review status: criteria provided, single submitter. Criteria: ACMG Guidelines, 2015. Collection method: clinical testing. Allele origin: germline.

All of Us Research Program, National Institutes of Health
Classification: Likely benign for Cardiomyopathy. Last evaluated: 2023-12-01. Review status: criteria provided, single submitter. Criteria: ACMG Guidelines, 2015. Collection method: clinical testing. Allele origin: germline. Inheritance: Autosomal dominant inheritance. Observed: 5 variant alleles, 5 heterozygotes.
Comment: This study involves interpretation of variants in research participants for the purpose of population health screening. Participant phenotype was not available at the time of variant classification. Additional details can be found in publication PMID: 35346344, PMCID: PMC8962531

Color Diagnostics, LLC DBA Color Health
Classification: Likely benign for Cardiomyopathy. Last evaluated: 2022-12-14. Review status: criteria provided, single submitter. Criteria: ACMG Guidelines, 2015. Collection method: clinical testing. Allele origin: germline.

NM_000257.4(MYH7):c.1579-4T>C

Gene: MYH7 (myosin heavy chain 7; minus strand). Cytogenetic location: 14q11.2.
Variant type: single nucleotide variant.
Coding change: c.1579-4T>C on transcript NM_000257.4 (MANE Select); 4 bases into the intron before coding-DNA position 1579, T replaced by C.
Molecular consequence: intron variant.
Genome position (GRCh38, 1-based): chr14:23,427,898, A>G on the plus strand (T>C on the coding strand, the complement: MYH7 is on the minus strand). VCF-style: chr14-23427898-A-G. GRCh37 (hg19) VCF-style: chr14-23897107-A-G.
Identifiers: ClinVar variation 525065 (VCV000525065.14), dbSNP rs1322757316, ClinGen allele CA613318076.